The following is an entry in ClinVar:

NM_001018113.3(FANCB):c.2223C>G (p.Asn741Lys)

Gene: FANCB (FA complementation group B; minus strand). Cytogenetic location: Xp22.2.
Variant type: single nucleotide variant.
Coding change: c.2223C>G on transcript NM_001018113.3 (MANE Select); coding-DNA position 2223, C replaced by G.
Protein change: p.Asn741Lys; replaces asparagine 741 with lysine.
Molecular consequence: missense variant.
Genome position (GRCh38, 1-based): chrX:14,843,924, G>C on the plus strand (C>G on the coding strand, the complement: FANCB is on the minus strand). VCF-style: chrX-14843924-G-C. GRCh37 (hg19) VCF-style: chrX-14862046-G-C.
Other names: c.2223C>G, p.Asn741Lys (NM_001324162.2, NM_001410764.1, NM_152633.4); short protein forms N741K.
Identifiers: ClinVar variation 2810435 (VCV002810435.3), dbSNP rs2518947363, ClinGen allele CA412437892.

ClinVar aggregate classification (germline): Uncertain significance (1 of 4 stars; one submission).

Conditions:
Fanconi anemia (FA). Also called: Fanconi's anemia. Identifiers: Orphanet 84, MedGen C0015625, MeSH D005199, MONDO:0019391.

Submission:

Labcorp Genetics (formerly Invitae), Labcorp
Classification: Uncertain significance for Fanconi anemia. Last evaluated: 2022-10-28. Review status: criteria provided, single submitter. Criteria: Invitae Variant Classification Sherloc (09022015). Collection method: clinical testing. Allele origin: germline.
Comment: This variant is not present in population databases (gnomAD no frequency). In summary, the available evidence is currently insufficient to determine the role of this variant in disease. Therefore, it has been classified as a Variant of Uncertain Significance. Advanced modeling of protein sequence and biophysical properties (such as structural, functional, and spatial information, amino acid conservation, physicochemical variation, residue mobility, and thermodynamic stability) performed at Invitae indicates that this missense variant is not expected to disrupt FANCB protein function. This variant has not been reported in the literature in individuals affected with FANCB-related conditions. This sequence change replaces asparagine, which is neutral and polar, with lysine, which is basic and polar, at codon 741 of the FANCB protein (p.Asn741Lys).